The following is an entry in ClinVar:

NM_006214.4(PHYH):c.568G>A (p.Val190Ile)

Gene: PHYH (phytanoyl-CoA 2-hydroxylase; minus strand). Cytogenetic location: 10p13.
Variant type: single nucleotide variant.
Coding change: c.568G>A on transcript NM_006214.4 (MANE Select); coding-DNA position 568, G replaced by A.
Protein change: p.Val190Ile; replaces valine 190 with isoleucine.
Molecular consequence: missense variant. On other transcripts: intron variant (1).
Genome position (GRCh38, 1-based): chr10:13,288,470, C>T on the plus strand (G>A on the coding strand, the complement: PHYH is on the minus strand). VCF-style: chr10-13288470-C-T. GRCh37 (hg19) VCF-style: chr10-13330470-C-T.
Other names: p.Val190Ile; c.268G>A, p.Val90Ile (NM_001037537.2, NM_001323080.2); c.574G>A, p.Val192Ile (NM_001323082.2); c.274G>A, p.Val92Ile (NM_001323084.2); c.415-4631G>A (NM_001323083.2); short protein forms V192I, V92I, V190I, V90I.
Identifiers: ClinVar variation 798234 (VCV000798234.16), dbSNP rs146190978, ClinGen allele CA5412313.

ClinVar aggregate classification (germline): Conflicting classifications of pathogenicity. Review status: criteria provided, conflicting classifications (1 of 4 stars). 6 submissions from 6 submitters: Uncertain significance (1); Benign (1); Likely benign (2). 2 of the submissions do not count toward it. Last evaluated 2026-01-21.

Conditions:
PHYH-related disorder. Also called: PHYH-related condition.

Allele frequency attached by ClinVar (database versions not stated): ExAC 0.00019; 1000 Genomes Project 30x 0.00047; gnomAD exomes 0.00009 and 0.00018; 1000 Genomes Project 0.00060; TOPMed 0.00064; gnomAD 0.00067 and 0.00071; ESP Exome Variant Server 0.00092.
gnomAD v4.1: 231 of 1,614,188 alleles (0.014%); highest among the groups gnomAD compares: African/African-American, 0.28%; 1 homozygote.

Submissions (6):

Labcorp Genetics (formerly Invitae), Labcorp
Classification: Likely benign. Last evaluated: 2026-01-21. Review status: criteria provided, single submitter. Criteria: Invitae Variant Classification Sherloc (09022015). Collection method: clinical testing. Allele origin: germline.

PreventionGenetics, part of Exact Sciences
Classification: Likely benign for PHYH-related condition. Last evaluated: 2025-01-08. Review status: criteria provided, single submitter. Criteria: ACMG Guidelines, 2015. Collection method: clinical testing. Allele origin: germline.
Comment: This variant is classified as likely benign based on ACMG/AMP sequence variant interpretation guidelines (Richards et al. 2015 PMID: 25741868, with internal and published modifications).

Blueprint Genetics
Classification: Benign. Last evaluated: 2024-10-18. Review status: criteria provided, single submitter. Criteria: ACMG Guidelines, 2015. Collection method: clinical testing. Allele origin: germline.

Mayo Clinic Laboratories, Mayo Clinic
Classification: Uncertain significance. Last evaluated: 2022-11-01. Review status: criteria provided, single submitter. Criteria: ACMG Guidelines, 2015. Collection method: clinical testing. Allele origin: germline. Observed: 1 variant allele.
Comment: BS1

Clinical Genetics DNA and cytogenetics Diagnostics Lab, Erasmus MC, Erasmus Medical Center
Classification: Uncertain significance. Review status: no assertion criteria provided. Collection method: clinical testing. Allele origin: germline. Affected: yes. Study: VKGL Data-share Consensus. Not counted in ClinVar's aggregate classification.

Clinical Genetics, Academic Medical Center
Classification: Uncertain significance. Review status: no assertion criteria provided. Collection method: clinical testing. Allele origin: germline. Affected: yes. Study: VKGL Data-share Consensus. Not counted in ClinVar's aggregate classification.